The following is an entry in ClinVar:

NM_002693.3(POLG):c.1433+2T>C

Gene: POLG (DNA polymerase gamma, catalytic subunit; minus strand). Cytogenetic location: 15q26.1.
Variant type: single nucleotide variant.
Coding change: c.1433+2T>C on transcript NM_002693.3 (MANE Select); the canonical splice donor site of the intron after coding-DNA position 1433, T replaced by C.
Molecular consequence: splice donor variant.
Genome position (GRCh38, 1-based): chr15:89,327,165, A>G on the plus strand (T>C on the coding strand, the complement: POLG is on the minus strand). VCF-style: chr15-89327165-A-G. GRCh37 (hg19) VCF-style: chr15-89870396-A-G.
Other names: c.1433+2T>C (NM_001126131.2, NM_002693.2).
Identifiers: ClinVar variation 1457847 (VCV001457847.8), dbSNP rs920850257, ClinGen allele CA274556533.

ClinVar aggregate classification (germline): Pathogenic/Likely pathogenic. Review status: criteria provided, multiple submitters, no conflicts (2 of 4 stars). 3 submissions from 3 submitters: Pathogenic (1); Likely pathogenic (2). Last evaluated 2024-06-26.

Conditions:
POLG-related disorder. Also called: POLG-Related Spectrum Disorders; POLG-related condition; POLG-Related Disorders. Identifiers: MedGen C4763519.
Progressive sclerosing poliodystrophy (MTDPS4A). Also called: Mitochondrial DNA depletion syndrome 4A (Alpers type); ALPERS PROGRESSIVE INFANTILE POLIODYSTROPHY; NEURONAL DEGENERATION OF CHILDHOOD WITH LIVER DISEASE, PROGRESSIVE; Mitochondrial DNA Depletion Syndrome 4A; Alpers-Huttenlocher Syndrome (AHS); Alpers Syndrome. Identifiers: Orphanet 726, MedGen C0205710, MONDO:0008758, OMIM 203700.

Allele frequency attached by ClinVar (database versions not stated): gnomAD 0.00001; TOPMed 0.00001.
gnomAD v4.1: 1 of 1,614,036 alleles (0.000062%); highest among the groups gnomAD compares: African/African-American, 0.0013%; no homozygotes.

Submissions (3):

Greenwood Genetic Center Diagnostic Laboratories, Greenwood Genetic Center
Classification: Likely pathogenic for POLG-related disorder. Last evaluated: 2024-06-26. Review status: criteria provided, single submitter. Criteria: ACMG Guidelines, 2015. Collection method: clinical testing. Allele origin: germline. Affected: yes.
Comment: PVS1, PM2

Baylor Genetics
Classification: Likely pathogenic for Progressive sclerosing poliodystrophy. Last evaluated: 2023-09-25. Review status: criteria provided, single submitter. Criteria: ACMG Guidelines, 2015. Collection method: clinical testing. Allele origin: unknown.

Labcorp Genetics (formerly Invitae), Labcorp
Classification: Pathogenic for Progressive sclerosing poliodystrophy. Last evaluated: 2023-08-17. Review status: criteria provided, single submitter. Criteria: Invitae Variant Classification Sherloc (09022015). Collection method: clinical testing. Allele origin: germline.
Comment: Disruption of this splice site has been observed in individual(s) with Alpers syndrome (PMID: 21880868). In at least one individual the data is consistent with being in trans (on the opposite chromosome) from a pathogenic variant. For these reasons, this variant has been classified as Pathogenic. Algorithms developed to predict the effect of sequence changes on RNA splicing suggest that this variant may disrupt the consensus splice site. ClinVar contains an entry for this variant (Variation ID: 1457847). This variant is not present in population databases (gnomAD no frequency). This sequence change affects a donor splice site in intron 7 of the POLG gene. It is expected to disrupt RNA splicing. Variants that disrupt the donor or acceptor splice site typically lead to a loss of protein function (PMID: 16199547), and loss-of-function variants in POLG are known to be pathogenic (PMID: 18546365).

Literature cited by the submitters: PubMed 21880868 (cited by Labcorp Genetics (formerly Invitae), Labcorp); PubMed 16199547 (cited by Labcorp Genetics (formerly Invitae), Labcorp); PubMed 18546365 (cited by Labcorp Genetics (formerly Invitae), Labcorp).